The following is an entry in ClinVar:

NM_001035.3(RYR2):c.9576A>T (p.Arg3192Ser)

Gene: RYR2 (ryanodine receptor 2; plus strand). Cytogenetic location: 1q43.
Variant type: single nucleotide variant.
Coding change: c.9576A>T on transcript NM_001035.3 (MANE Select); coding-DNA position 9576, A replaced by T.
Protein change: p.Arg3192Ser; replaces arginine 3192 with serine.
Molecular consequence: missense variant.
Genome position (GRCh38, 1-based): chr1:237,705,339, A>T. VCF-style: chr1-237705339-A-T. GRCh37 (hg19) VCF-style: chr1-237868639-A-T.
Other names: short protein forms R3192S.
Identifiers: ClinVar variation 3894279 (VCV003894279.1).

ClinVar aggregate classification (germline): Uncertain significance (1 of 4 stars; one submission).

Conditions:
Cardiomyopathy (CMYO). Also called: Cardiomyopathies. Identifiers: Orphanet 167848, MedGen C0878544, MONDO:0004994, HP:0001638. Inheritance: Various modes of inheritance.

Submission:

Color Diagnostics, LLC DBA Color Health
Classification: Uncertain significance for Cardiomyopathy. Last evaluated: 2025-03-31. Review status: criteria provided, single submitter. Criteria: ACMG Guidelines, 2015. Collection method: clinical testing. Allele origin: germline.
Comment: This missense variant replaces arginine with serine at codon 3192 of the RYR2 protein. Computational prediction suggests that this variant may have deleterious impact on protein structure and function (internally defined REVEL score threshold >= 0.7, PMID: 27666373). To our knowledge, functional studies have not been reported for this variant. This variant has not been reported in individuals affected with RYR2-related disorders in the literature. This variant has not been identified in the general population by the Genome Aggregation Database (gnomAD). The available evidence is insufficient to determine the role of this variant in disease conclusively. Therefore, this variant is classified as a Variant of Uncertain Significance.